The following is an entry in ClinVar:

ClinVar aggregate classification (germline): Pathogenic (1 of 4 stars; one submission).

Conditions:
Cardiovascular phenotype. Identifiers: MedGen CN230736.

Submission:

Ambry Genetics
Classification: Pathogenic for Cardiovascular phenotype. Last evaluated: 2025-04-15. Review status: criteria provided, single submitter. Criteria: Ambry Variant Classification Scheme 2023. Collection method: clinical testing. Allele origin: germline.
Comment: The p.Y211* variant (also known as c.633C>G), located in coding exon 3 of the LMNA gene, results from a C to G substitution at nucleotide position 633. This changes the amino acid from a tyrosine to a stop codon within coding exon 3. This variant is considered to be rare based on population cohorts in the Genome Aggregation Database (gnomAD). This alteration is expected to result in loss of function by premature protein truncation or nonsense-mediated mRNA decay. As such, this alteration is interpreted as a disease-causing mutation.

NM_170707.4(LMNA):c.633C>G (p.Tyr211Ter)

Gene: LMNA (lamin A/C; plus strand). Cytogenetic location: 1q22.
Variant type: single nucleotide variant.
Coding change: c.633C>G on transcript NM_170707.4 (MANE Select); coding-DNA position 633, C replaced by G.
Protein change: p.Tyr211Ter; replaces tyrosine 211 with a stop codon.
Molecular consequence: nonsense.
Genome position (GRCh38, 1-based): chr1:156,134,522, C>G. VCF-style: chr1-156134522-C-G. GRCh37 (hg19) VCF-style: chr1-156104313-C-G.
Other names: c.297C>G, p.Tyr99Ter (NM_001257374.3, NM_001406989.1, NM_001406998.1); c.390C>G, p.Tyr130Ter (NM_001282624.2, NM_001406986.1, NM_001406987.1); c.633C>G, p.Tyr211Ter (NM_001282625.2, NM_001282626.2, NM_001406983.1 and 6 more transcripts); c.336C>G, p.Tyr112Ter (NM_001406988.1); c.75C>G, p.Tyr25Ter (NM_001406990.1, NM_001406993.1, NM_001406995.1 and 4 more transcripts); c.-32C>G (NM_001406994.1, NM_001406999.1, NM_001407000.1 and 1 more transcripts); short protein forms Y99*, Y130*, Y211*, Y112*, Y25*.
Identifiers: ClinVar variation 1752940 (VCV001752940.3), dbSNP rs2527968714, ClinGen allele CA342817086.